The following is an entry in ClinVar:

NM_020719.3(PRR12):c.1474G>C (p.Ala492Pro)

Gene: PRR12 (proline rich 12; plus strand). Cytogenetic location: 19q13.33.
Variant type: single nucleotide variant.
Coding change: c.1474G>C on transcript NM_020719.3 (MANE Select); coding-DNA position 1474, G replaced by C.
Protein change: p.Ala492Pro; replaces alanine 492 with proline.
Molecular consequence: missense variant.
Genome position (GRCh38, 1-based): chr19:49,595,809, G>C. VCF-style: chr19-49595809-G-C. GRCh37 (hg19) VCF-style: chr19-50099066-G-C.
Other names: short protein forms A492P.
Identifiers: ClinVar variation 2229398 (VCV002229398.2), dbSNP rs1160486058, ClinGen allele CA406865444.

ClinVar aggregate classification (germline): Uncertain significance (1 of 4 stars; one submission).

Conditions:
Inborn genetic diseases. Identifiers: MedGen C0950123, MeSH D030342.

Allele frequency attached by ClinVar (database versions not stated): TOPMed below 0.00001.
gnomAD v4.1: 3 of 1,598,546 alleles (0.00019%); highest among the groups gnomAD compares: Middle Eastern, 0.017%; no homozygotes.

Submission:

Ambry Genetics
Classification: Uncertain significance for Inborn genetic diseases. Last evaluated: 2021-02-22. Review status: criteria provided, single submitter. Criteria: Ambry Variant Classification Scheme 2023. Collection method: clinical testing. Allele origin: germline.
Comment: The c.1474G>C (p.A492P) alteration is located in exon 4 (coding exon 4) of the PRR12 gene. This alteration results from a G to C substitution at nucleotide position 1474, causing the alanine (A) at amino acid position 492 to be replaced by a proline (P). The p.A492P alteration is predicted to be tolerated by in silico analysis. Based on insufficient or conflicting evidence, the clinical significance of this alteration remains unclear.